The following is an entry in ClinVar:

ClinVar aggregate classification (germline): Uncertain significance (1 of 4 stars; one submission).

Conditions:
Inborn genetic diseases. Identifiers: MedGen C0950123, MeSH D030342.

Submission:

Ambry Genetics
Classification: Uncertain significance for Inborn genetic diseases. Last evaluated: 2026-08-20. Review status: criteria provided, single submitter. Criteria: Ambry Variant Classification Scheme 2023. Collection method: clinical testing. Allele origin: germline.
Comment: The p.L1401I variant (also known as c.4201C>A), located in coding exon 42 of the FANCA gene, results from a C to A substitution at nucleotide position 4201. The leucine at codon 1401 is replaced by isoleucine, an amino acid with highly similar properties. This amino acid position is conserved. In addition, this alteration is predicted to be tolerated by in silico analysis. Based on the available evidence, the clinical significance of this variant remains unclear.

NM_000135.4(FANCA):c.4201C>A (p.Leu1401Ile)

Genes: FANCA (FA complementation group A; minus strand), ZNF276 (zinc finger protein 276; plus strand). Cytogenetic location: 16q24.3.
Variant type: single nucleotide variant.
Coding change: c.4201C>A on transcript NM_000135.4 (MANE Select); coding-DNA position 4201, C replaced by A.
Protein change: p.Leu1401Ile; replaces leucine 1401 with isoleucine.
Molecular consequence: missense variant. On other transcripts: 3 prime UTR variant (2), non-coding transcript variant (4).
Genome position (GRCh38, 1-based): chr16:89,738,941, G>T on the plus strand (C>A on the coding strand, the complement: FANCA is on the minus strand). VCF-style: chr16-89738941-G-T. GRCh37 (hg19) VCF-style: chr16-89805349-G-T.
Other names: c.4205C>A, p.Ser1402Tyr (NM_001286167.3); c.*695G>T (NM_001113525.2, NM_152287.4); short protein forms L1401I, S1402Y.
Identifiers: ClinVar variation 5036426 (VCV005036426.1).